The following is an entry in ClinVar:

ClinVar aggregate classification (germline): Conflicting classifications of pathogenicity. Review status: criteria provided, conflicting classifications (1 of 4 stars). 3 submissions from 3 submitters: Uncertain significance (1); Likely benign (1). 1 of the submissions does not count toward it. Last evaluated 2025-11-30.

Conditions:
NOTCH2-related disorder. Also called: NOTCH2-related condition.
Hajdu-Cheney syndrome (HJCYS). Also called: Acroosteolysis dominant type; ACROOSTEOLYSIS WITH OSTEOPOROSIS AND CHANGES IN SKULL AND MANDIBLE; SERPENTINE FIBULA-POLYCYSTIC KIDNEY SYNDROME. Identifiers: Orphanet 955, MedGen C0917715, MONDO:0007057, OMIM 102500.

Allele frequency attached by ClinVar (database versions not stated): ExAC 0.00001; gnomAD 0.00001; TOPMed 0.00001; ESP Exome Variant Server 0.00015.
gnomAD v4.1: 4 of 1,614,064 alleles (0.00025%); highest among the groups gnomAD compares: Non-Finnish European, 0.00034%; no homozygotes.

Submissions (3):

Labcorp Genetics (formerly Invitae), Labcorp
Classification: Likely benign for Hajdu-Cheney syndrome. Last evaluated: 2025-11-30. Review status: criteria provided, single submitter. Criteria: Invitae Variant Classification Sherloc (09022015). Collection method: clinical testing. Allele origin: germline.

Eurofins Ntd Llc (ga)
Classification: Uncertain significance. Last evaluated: 2018-05-31. Review status: criteria provided, single submitter. Criteria: EGL ClinVar v180209 classification definitions. Collection method: clinical testing. Allele origin: germline. Observed: 1 variant allele, 1 heterozygote.

PreventionGenetics, part of Exact Sciences
Classification: Likely benign for NOTCH2-related condition. Last evaluated: 2019-03-20. Review status: no assertion criteria provided. Collection method: clinical testing. Allele origin: germline. Not counted in ClinVar's aggregate classification.
Comment: This variant is classified as likely benign based on ACMG/AMP sequence variant interpretation guidelines (Richards et al. 2015 PMID: 25741868, with internal and published modifications).

NM_024408.4(NOTCH2):c.3252G>A (p.Glu1084=)

Gene: NOTCH2 (notch receptor 2; minus strand). Cytogenetic location: 1p12.
Variant type: single nucleotide variant.
Coding change: c.3252G>A on transcript NM_024408.4 (MANE Select); coding-DNA position 3252, G replaced by A.
Protein change: p.Glu1084=; no amino-acid change (glutamic acid 1084 retained).
Molecular consequence: synonymous variant.
Genome position (GRCh38, 1-based): chr1:119,937,942, C>T on the plus strand (G>A on the coding strand, the complement: NOTCH2 is on the minus strand). VCF-style: chr1-119937942-C-T. GRCh37 (hg19) VCF-style: chr1-120480565-C-T.
Other names: c.3252G>A (NM_024408.3); c.3252G>A, p.Glu1084= (NM_001200001.2).
Identifiers: ClinVar variation 597415 (VCV000597415.12), dbSNP rs372751663, ClinGen allele CA1040112.